The following is an entry in ClinVar:

ClinVar aggregate classification (germline): Uncertain significance. Review status: criteria provided, multiple submitters, no conflicts (2 of 4 stars). 2 submissions from 2 submitters: Uncertain significance (2). Last evaluated 2024-09-27.

Conditions:
Familial cold autoinflammatory syndrome 3 (FCAS3). Also called: FAMILIAL ATYPICAL COLD URTICARIA; ANTIBODY DEFICIENCY AND IMMUNE DYSREGULATION, PLCG2-ASSOCIATED. Identifiers: Orphanet 300359, MedGen C3280914, MONDO:0013766, OMIM 614468.
Autoinflammation-PLCG2-associated antibody deficiency-immune dysregulation. Also called: AUTOINFLAMMATION, ANTIBODY DEFICIENCY, AND IMMUNE DYSREGULATION; Autoinflammation, antibody deficiency, and immune dysregulation syndrome; Autoinflammation, antibody deficiency, and immune dysregulation, plcg2-associated. Identifiers: Orphanet 324530, MedGen C3553961, MONDO:0013944, OMIM 614878.

Allele frequency attached by ClinVar (database versions not stated): TOPMed 0.00002.
gnomAD v4.1: 16 of 1,613,962 alleles (0.00099%); highest among the groups gnomAD compares: East Asian, 0.016%; no homozygotes.

Submissions (2):

Labcorp Genetics (formerly Invitae), Labcorp
Classification: Uncertain significance for Familial cold autoinflammatory syndrome 3. Last evaluated: 2024-09-27. Review status: criteria provided, single submitter. Criteria: Invitae Variant Classification Sherloc (09022015). Collection method: clinical testing. Allele origin: germline.
Comment: This sequence change replaces arginine, which is basic and polar, with glutamine, which is neutral and polar, at codon 697 of the PLCG2 protein (p.Arg697Gln). This variant is present in population databases (rs767717794, gnomAD 0.04%). This variant has not been reported in the literature in individuals affected with PLCG2-related conditions. ClinVar contains an entry for this variant (Variation ID: 959597). An algorithm developed to predict the effect of missense changes on protein structure and function outputs the following: PolyPhen-2: "Benign". The glutamine amino acid residue is found in multiple mammalian species, which suggests that this missense change does not adversely affect protein function. In summary, the available evidence is currently insufficient to determine the role of this variant in disease. Therefore, it has been classified as a Variant of Uncertain Significance.

Fulgent Genetics
Classification: Uncertain significance for Familial cold autoinflammatory syndrome 3; Autoinflammation-PLCG2-associated antibody deficiency-immune dysregulation. Last evaluated: 2022-02-09. Review status: criteria provided, single submitter. Criteria: ACMG Guidelines, 2015. Collection method: clinical testing. Allele origin: unknown.

NM_002661.5(PLCG2):c.2090G>A (p.Arg697Gln)

Gene: PLCG2 (phospholipase C gamma 2; plus strand). Cytogenetic location: 16q23.3.
Variant type: single nucleotide variant.
Coding change: c.2090G>A on transcript NM_002661.5 (MANE Select); coding-DNA position 2090, G replaced by A.
Protein change: p.Arg697Gln; replaces arginine 697 with glutamine.
Molecular consequence: missense variant.
Genome position (GRCh38, 1-based): chr16:81,919,519, G>A. VCF-style: chr16-81919519-G-A. GRCh37 (hg19) VCF-style: chr16-81953124-G-A.
Other names: short protein forms R697Q.
Identifiers: ClinVar variation 959597 (VCV000959597.11), dbSNP rs767717794, ClinGen allele CA8194085.